The following is an entry in ClinVar:

ClinVar aggregate classification (germline): Uncertain significance (1 of 4 stars; one submission).

Allele frequency attached by ClinVar (database versions not stated): TOPMed below 0.00001; gnomAD 0.00001; gnomAD exomes 0.00001 and 0.00002.

Submission:

Labcorp Genetics (formerly Invitae), Labcorp
Classification: Uncertain significance. Last evaluated: 2021-10-27. Review status: criteria provided, single submitter. Criteria: Invitae Variant Classification Sherloc (09022015). Collection method: clinical testing. Allele origin: germline.
Comment: This sequence change replaces aspartic acid, which is acidic and polar, with asparagine, which is neutral and polar, at codon 796 of the AEBP1 protein (p.Asp796Asn). The frequency data for this variant in the population databases is considered unreliable, as metrics indicate poor data quality at this position in the gnomAD database. This variant has not been reported in the literature in individuals affected with AEBP1-related conditions. Algorithms developed to predict the effect of missense changes on protein structure and function (SIFT, PolyPhen-2, Align-GVGD) all suggest that this variant is likely to be tolerated. In summary, the available evidence is currently insufficient to determine the role of this variant in disease. Therefore, it has been classified as a Variant of Uncertain Significance.

NM_001129.5(AEBP1):c.2386G>A (p.Asp796Asn)

Gene: AEBP1 (AE binding protein 1; plus strand). Cytogenetic location: 7p13.
Variant type: single nucleotide variant.
Coding change: c.2386G>A on transcript NM_001129.5 (MANE Select); coding-DNA position 2386, G replaced by A.
Protein change: p.Asp796Asn; replaces aspartic acid 796 with asparagine.
Molecular consequence: missense variant.
Genome position (GRCh38, 1-based): chr7:44,112,726, G>A. VCF-style: chr7-44112726-G-A. GRCh37 (hg19) VCF-style: chr7-44152325-G-A.
Other names: short protein forms D796N.
Identifiers: ClinVar variation 1443219 (VCV001443219.3), dbSNP rs1302981345, ClinGen allele CA367371006.